The following is an entry in ClinVar:

ClinVar aggregate classification (germline): Uncertain significance (1 of 4 stars; one submission).

Submission:

Labcorp Genetics (formerly Invitae), Labcorp
Classification: Uncertain significance. Last evaluated: 2024-10-02. Review status: criteria provided, single submitter. Criteria: Invitae Variant Classification Sherloc (09022015). Collection method: clinical testing. Allele origin: germline.
Comment: This sequence change replaces isoleucine, which is neutral and non-polar, with methionine, which is neutral and non-polar, at codon 175 of the CTNNA1 protein (p.Ile175Met). This variant is not present in population databases (gnomAD no frequency). This variant has not been reported in the literature in individuals affected with CTNNA1-related conditions. ClinVar contains an entry for this variant (Variation ID: 1490983). Invitae Evidence Modeling of protein sequence and biophysical properties (such as structural, functional, and spatial information, amino acid conservation, physicochemical variation, residue mobility, and thermodynamic stability) indicates that this missense variant is not expected to disrupt CTNNA1 protein function with a negative predictive value of 80%. In summary, the available evidence is currently insufficient to determine the role of this variant in disease. Therefore, it has been classified as a Variant of Uncertain Significance.

NM_001903.5(CTNNA1):c.525C>G (p.Ile175Met)

Gene: CTNNA1 (catenin alpha 1; plus strand). Cytogenetic location: 5q31.2.
Variant type: single nucleotide variant.
Coding change: c.525C>G on transcript NM_001903.5 (MANE Select); coding-DNA position 525, C replaced by G.
Protein change: p.Ile175Met; replaces isoleucine 175 with methionine.
Molecular consequence: missense variant.
Genome position (GRCh38, 1-based): chr5:138,812,239, C>G. VCF-style: chr5-138812239-C-G. GRCh37 (hg19) VCF-style: chr5-138147928-C-G.
Other names: c.525C>G, p.Ile175Met (NM_001290307.3, NM_001323982.2, NM_001323983.1 and 3 more transcripts); c.216C>G, p.Ile72Met (NM_001290309.3); c.156C>G, p.Ile52Met (NM_001290310.3); short protein forms I175M, I52M, I72M.
Identifiers: ClinVar variation 1490983 (VCV001490983.8), dbSNP rs200342369, ClinGen allele CA361125274.